The following is an entry in ClinVar:

ClinVar aggregate classification (germline): Likely benign. Review status: criteria provided, multiple submitters, no conflicts (2 of 4 stars). 3 submissions from 3 submitters: Likely benign (3). Last evaluated 2025-09-01.

gnomAD v4.1: 45 of 1,609,742 alleles (0.0028%); highest among the groups gnomAD compares: East Asian, 0.0089%; no homozygotes.

Submissions (3):

CeGaT Center for Human Genetics Tuebingen
Classification: Likely benign. Last evaluated: 2025-09-01. Review status: criteria provided, single submitter. Criteria: CeGaT Center For Human Genetics Tuebingen Variant Classification Criteria Version 2. Collection method: clinical testing. Allele origin: germline. Affected: yes. Observed: 1 variant allele.
Comment: PUF60: BP4, BP7

Laboratory of Genetics, Children's Clinical University Hospital Latvia
Classification: Likely benign. Last evaluated: 2025-02-16. Review status: criteria provided, single submitter. Criteria: ACMG Guidelines, 2015. Collection method: clinical testing. Allele origin: germline. Affected: yes.

Blueprint Genetics
Classification: Likely benign. Last evaluated: 2021-10-25. Review status: criteria provided, single submitter. Criteria: ACMG Guidelines, 2015. Collection method: clinical testing. Allele origin: germline.

NM_078480.3(PUF60):c.153C>T (p.Ala51=)

Gene: PUF60 (poly(U) binding splicing factor 60; minus strand). Cytogenetic location: 8q24.3.
Variant type: single nucleotide variant.
Coding change: c.153C>T on transcript NM_078480.3 (MANE Select); coding-DNA position 153, C replaced by T.
Protein change: p.Ala51=; no amino-acid change (alanine 51 retained).
Molecular consequence: synonymous variant.
Genome position (GRCh38, 1-based): chr8:143,821,872, G>A on the plus strand (C>T on the coding strand, the complement: PUF60 is on the minus strand). VCF-style: chr8-143821872-G-A. GRCh37 (hg19) VCF-style: chr8-144904042-G-A.
Other names: c.24C>T, p.Ala8= (NM_001136033.3, NM_001271100.2); c.150C>T, p.Ala50= (NM_001271096.2, NM_001271098.2); c.66C>T, p.Ala22= (NM_001271097.2, NM_001271099.2); c.264C>T, p.Ala88= (NM_001362895.2, NM_001362896.2, NM_001362897.2); c.153C>T, p.Ala51= (NM_014281.5).
Identifiers: ClinVar variation 3910709 (VCV003910709.9).